The following is an entry in ClinVar:

ClinVar aggregate classification (germline): Uncertain significance. Review status: criteria provided, multiple submitters, no conflicts (2 of 4 stars). 2 submissions from 2 submitters: Uncertain significance (2). Last evaluated 2023-02-01.

Conditions:
Inborn genetic diseases. Identifiers: MedGen C0950123, MeSH D030342.

gnomAD v4.1: 30 of 1,606,222 alleles (0.0019%); highest among the groups gnomAD compares: African/African-American, 0.0027%; no homozygotes.

Submissions (2):

CeGaT Center for Human Genetics Tuebingen
Classification: Uncertain significance. Last evaluated: 2023-02-01. Review status: criteria provided, single submitter. Criteria: CeGaT Center For Human Genetics Tuebingen Variant Classification Criteria Version 2. Collection method: clinical testing. Allele origin: germline. Affected: yes. Observed: 1 variant allele.
Comment: MEGF8: PM2

Ambry Genetics
Classification: Uncertain significance for Inborn genetic diseases. Last evaluated: 2022-12-01. Review status: criteria provided, single submitter. Criteria: Ambry Variant Classification Scheme 2023. Collection method: clinical testing. Allele origin: germline.

NM_001271938.2(MEGF8):c.7855G>A (p.Val2619Met)

Gene: MEGF8 (multiple EGF like domains 8; plus strand). Cytogenetic location: 19q13.2.
Variant type: single nucleotide variant.
Coding change: c.7855G>A on transcript NM_001271938.2 (MANE Select); coding-DNA position 7855, G replaced by A.
Protein change: p.Val2619Met; replaces valine 2619 with methionine.
Molecular consequence: missense variant.
Genome position (GRCh38, 1-based): chr19:42,376,092, G>A. VCF-style: chr19-42376092-G-A. GRCh37 (hg19) VCF-style: chr19-42880244-G-A.
Other names: c.7654G>A, p.Val2552Met (NM_001410.3); short protein forms V2552M, V2619M.
Identifiers: ClinVar variation 2331098 (VCV002331098.26), dbSNP rs772954605, ClinGen allele CA9476278.